The following is an entry in ClinVar:

NM_000203.5(IDUA):c.1A>C (p.Met1Leu)

Genes: IDUA (alpha-L-iduronidase; plus strand), SLC26A1 (solute carrier family 26 member 1; minus strand). Cytogenetic location: 4p16.3.
Variant type: single nucleotide variant.
Coding change: c.1A>C on transcript NM_000203.5 (MANE Select); coding-DNA position 1, A replaced by C.
Protein change: p.Met1Leu; changes the start codon (methionine 1).
Molecular consequence: missense variant, initiator codon variant. On other transcripts: non-coding transcript variant (1), intron variant (1).
Genome position (GRCh38, 1-based): chr4:987,085, A>C. VCF-style: chr4-987085-A-C. GRCh37 (hg19) VCF-style: chr4-980873-A-C.
Other names: NM_000203.5(IDUA):c.1A>C; p.Met1Leu; c.1A>C (NM_000203.4); c.576+4043T>G (NM_134425.4); short protein forms M1L.
Identifiers: ClinVar variation 550458 (VCV000550458.24), dbSNP rs1553914737, ClinGen allele CA355945204.

ClinVar aggregate classification (germline): Pathogenic. Review status: reviewed by expert panel (3 of 4 stars). 5 submissions from 5 submitters: Pathogenic (1). 4 of the submissions do not count toward it. Last evaluated 2026-03-02.

Conditions:
Mucopolysaccharidosis type 1. Also called: IDUA deficiency; MPS I; Mucopolysaccharidosis Type I. Identifiers: Orphanet 579, MedGen C0023786, MONDO:0001586.
Hurler syndrome. Also called: Gargoylism, Hurler Syndrome; MUCOPOLYSACCHARIDOSIS TYPE IH; Severe MPS I (Hurler Syndrome). Identifiers: Orphanet 93473, MedGen C0086795, MONDO:0011758, OMIM 607014.

Allele frequency attached by ClinVar (database versions not stated): 1000 Genomes Project 30x 0.00031; gnomAD 0.00001.
gnomAD v4.1: 1 of 1,484,176 alleles (0.000067%); highest among the groups gnomAD compares: Non-Finnish European, 0.000089%; no homozygotes.

Submissions (5):

ClinGen Lysosomal Storage Disorder Variant Curation Expert Panel
Classification: Pathogenic for Mucopolysaccharidosis type 1. Last evaluated: 2026-03-02. Review status: reviewed by expert panel. Criteria: ClinGen LSD ACMG Specifications IDUA V1.2.0. Collection method: curation. Allele origin: germline. Inheritance: Autosomal recessive inheritance.
Comment: The NM_000203.5:c.1A>C (p.Met1?) variant in IDUA is predicted to cause an N-terminal truncated or absent protein by altering the start codon of the coding sequence. The next in-frame ATG is at position 133: if this is used as a start signal, the lysosomal signal sequence (amino acids 1-27) would be lost (PVS1). This variant has been seen in at least five unrelated individuals, all of whom are reported to have the Hurler phenotype. However, insufficient data was provided to meet the PP4 criterion. Four of these patients are homozygous for the variant (PMIDs: 32136806, 21394825, 27511503) (PM3). One patient is compound heterozygous for the variant and another variant in IDUA (c.469T>C) that is yet to be classified by the Lysosomal Storage Disorders VCEP (PMID: 32136806). The highest population minor allele frequency in gnomAD v4.1.0. is 8.893e-7 (1/1124490) in the European non-Finnish population (PM2_Supporting). Of note, other variants that abolish the start ATG have been identified in individuals with mucopolysaccharidosis type 1 (c.1A>G, ClinVar Variation ID 1323098; c.2T>C, ClinVar Variation ID: 639529; c.3G>A, ClinVar Variation ID 557150), and all of these variants have been classified as pathogenic by the ClinGen LD VCEP. There is a ClinVar entry for this variant (Variation ID: 550458). In summary, this variant, c.1A>C (p.Met1?), meets the criteria to be classified as pathogenic for mucopolysaccharidosis type 1. IDUA-specific ACMG/AMP criteria applied, as specified by the ClinGen Lysosomal Diseases Variant Curation Expert Panel (Specifications Version 1.2.0): PVS1, PM3, PM2_Supporting. (Classification approved by the ClinGen Lysosomal Diseases Variant Curation Expert Panel on March 2, 2026)

Natera, Inc.
Classification: Pathogenic for Mucopolysaccharidosis type I. Last evaluated: 2024-03-25. Review status: criteria provided, single submitter. Criteria: Natera Variant Classification Schema (03/2026). Collection method: clinical testing. Allele origin: germline. Not counted in ClinVar's aggregate classification.
Comment: The c.1A>C variant in IDUA is predicted to result in start loss due to disruption of the initiator methionine. This variant is expected to result in a truncated or dysfunctional protein product. This variant is rare in the general population with a frequency below the threshold expected for the associated phenotype(s). This variant has been observed in one or more individuals affected with the associated recessive disease, as either homozygous or compound heterozygous with a second variant (PMID: 9391892, 21394825, 24798265, 27511503, 31194252, 31236806, 31298590). Given the available evidence, this variant is classified as Pathogenic.

Labcorp Genetics (formerly Invitae), Labcorp
Classification: Pathogenic for Mucopolysaccharidosis type 1. Last evaluated: 2023-03-14. Review status: criteria provided, single submitter. Criteria: Invitae Variant Classification Sherloc (09022015). Collection method: clinical testing. Allele origin: germline. Not counted in ClinVar's aggregate classification.
Comment: For these reasons, this variant has been classified as Pathogenic. ClinVar contains an entry for this variant (Variation ID: 550458). Disruption of the initiator codon has been observed in individual(s) with mucopolysaccharidosis type I (PMID: 21394825, 31236806). In at least one individual the data is consistent with being in trans (on the opposite chromosome) from a pathogenic variant. This variant is not present in population databases (gnomAD no frequency). This sequence change affects the initiator methionine of the IDUA mRNA. The next in-frame methionine is located at codon 133.

Kariminejad - Najmabadi Pathology & Genetics Center
Classification: Pathogenic for Hurler syndrome. Review status: criteria provided, single submitter. Criteria: ACMG Guidelines, 2015. Collection method: clinical testing. Allele origin: germline. Affected: no. Not counted in ClinVar's aggregate classification.

Counsyl
Classification: Pathogenic for Hurler syndrome. Last evaluated: 2017-01-19. Review status: no assertion criteria provided. Collection method: clinical testing. Allele origin: unknown. Not counted in ClinVar's aggregate classification.

Literature cited by the submitters: PubMed 9391892 (cited by Natera, Inc.); PubMed 21394825 (cited by 3 submitters); PubMed 24798265 (cited by Natera, Inc.); PubMed 27511503 (cited by Natera, Inc. and Counsyl); PubMed 31194252 (cited by Natera, Inc.); PubMed 31236806 (cited by Natera, Inc. and Labcorp Genetics (formerly Invitae), Labcorp); PubMed 31298590 (cited by Natera, Inc.).